The following is an entry in ClinVar:

ClinVar aggregate classification (germline): Benign (1 of 4 stars; one submission).

Conditions:
Chondrodysplasia with joint dislocations, gPAPP type. Also called: GPAPP DEFICIENCY. Identifiers: Orphanet 280586, MedGen C3279757, MONDO:0013561, OMIM 614078.

Allele frequency attached by ClinVar (database versions not stated): gnomAD 0.00869 and 0.00947; TOPMed 0.01739; 1000 Genomes Project 0.02376; 1000 Genomes Project 30x 0.02545.

Submission:

Illumina Laboratory Services, Illumina
Classification: Benign for Chondrodysplasia with joint dislocations, gPAPP type. Last evaluated: 2018-01-13. Review status: criteria provided, single submitter. Criteria: ICSL Variant Classification Criteria 13 December 2019. Collection method: clinical testing. Allele origin: germline.
Comment: This variant was observed in the ICSL laboratory as part of a predisposition screen in an ostensibly healthy population. It had not been previously curated by ICSL or reported in the Human Gene Mutation Database (HGMD: prior to June 1st, 2018), and was therefore a candidate for classification through an automated scoring system. Utilizing variant allele frequency, disease prevalence and penetrance estimates, and inheritance mode, an automated score was calculated to assess if this variant is too frequent to cause the disease. Based on the score and internal cut-off values, a variant classified as benign is not then subjected to further curation. The score for this variant resulted in a classification of benign for this disease.

NM_017813.5(BPNT2):c.*5730A>G

Gene: BPNT2 (3'(2'), 5'-bisphosphate nucleotidase 2; minus strand). Cytogenetic location: 8q12.1.
Variant type: single nucleotide variant.
Coding change: c.*5730A>G on transcript NM_017813.5 (MANE Select); 5730 bases downstream of the stop codon, A replaced by G.
Molecular consequence: 3 prime UTR variant.
Genome position (GRCh38, 1-based): chr8:56,958,063, T>C on the plus strand (A>G on the coding strand, the complement: BPNT2 is on the minus strand). VCF-style: chr8-56958063-T-C. GRCh37 (hg19) VCF-style: chr8-57870622-T-C.
Identifiers: ClinVar variation 363323 (VCV000363323.5), dbSNP rs80163062, ClinGen allele CA10631324.